The following is an entry in ClinVar:

NM_012123.4(MTO1):c.693G>T (p.Val231=)

Gene: MTO1 (mitochondrial tRNA translation optimization 1; plus strand). Cytogenetic location: 6q13.
Variant type: single nucleotide variant.
Coding change: c.693G>T on transcript NM_012123.4 (MANE Select); coding-DNA position 693, G replaced by T.
Protein change: p.Val231=; no amino-acid change (valine 231 retained).
Molecular consequence: synonymous variant.
Genome position (GRCh38, 1-based): chr6:73,473,522, G>T. VCF-style: chr6-73473522-G-T. GRCh37 (hg19) VCF-style: chr6-74183245-G-T.
Other names: c.693G>T, p.Val231= (NM_001123226.2, NM_133645.3).
Identifiers: ClinVar variation 700540 (VCV000700540.13), dbSNP rs558715877, ClinGen allele CA140957152.

ClinVar aggregate classification (germline): Likely benign. Review status: criteria provided, multiple submitters, no conflicts (2 of 4 stars). 3 submissions from 3 submitters: Likely benign (2). 1 of the submissions does not count toward it. Last evaluated 2026-01-07.

Conditions:
MTO1-related disorder. Also called: MTO1-related condition.
Mitochondrial hypertrophic cardiomyopathy with lactic acidosis due to MTO1 deficiency. Also called: Combined oxidative phosphorylation deficiency 10; CARDIOMYOPATHY, INFANTILE HYPERTROPHIC MITOCHONDRIAL, AND LACTIC ACIDOSIS. Identifiers: Orphanet 314637, MedGen C4749921, MONDO:0013865, OMIM 614702.

Allele frequency attached by ClinVar (database versions not stated): gnomAD exomes 0.00001 and 0.00003; TOPMed 0.00001; gnomAD 0.00003.
gnomAD v4.1: 46 of 1,614,016 alleles (0.0029%); highest among the groups gnomAD compares: Non-Finnish European, 0.0037%; no homozygotes.

Submissions (3):

Labcorp Genetics (formerly Invitae), Labcorp
Classification: Likely benign for Mitochondrial hypertrophic cardiomyopathy with lactic acidosis due to MTO1 deficiency. Last evaluated: 2026-01-07. Review status: criteria provided, single submitter. Criteria: Invitae Variant Classification Sherloc (09022015). Collection method: clinical testing. Allele origin: germline.

Blueprint Genetics
Classification: Likely benign. Last evaluated: 2024-03-27. Review status: criteria provided, single submitter. Criteria: ACMG Guidelines, 2015. Collection method: clinical testing. Allele origin: germline.

PreventionGenetics, part of Exact Sciences
Classification: Likely benign for MTO1-related condition. Last evaluated: 2020-01-07. Review status: no assertion criteria provided. Collection method: clinical testing. Allele origin: germline. Not counted in ClinVar's aggregate classification.
Comment: This variant is classified as likely benign based on ACMG/AMP sequence variant interpretation guidelines (Richards et al. 2015 PMID: 25741868, with internal and published modifications).